The following is an entry in ClinVar:

NM_001165963.4(SCN1A):c.82C>T (p.Arg28Cys)

Gene: SCN1A (sodium voltage-gated channel alpha subunit 1; minus strand). Cytogenetic location: 2q24.3.
Variant type: single nucleotide variant.
Coding change: c.82C>T on transcript NM_001165963.4 (MANE Select); coding-DNA position 82, C replaced by T.
Protein change: p.Arg28Cys; replaces arginine 28 with cysteine.
Molecular consequence: missense variant. On other transcripts: 5 prime UTR variant (1), non-coding transcript variant (1).
Genome position (GRCh38, 1-based): chr2:166,073,540, G>A on the plus strand (C>T on the coding strand, the complement: SCN1A is on the minus strand). VCF-style: chr2-166073540-G-A. GRCh37 (hg19) VCF-style: chr2-166930050-G-A.
Other names: p.R28C:CGC>TGC; c.82C>T, p.Arg28Cys (NM_001165964.3, NM_001202435.3, NM_001353948.2 and 10 more transcripts); c.-2344C>T (NM_001353961.2); c.82C>T (NM_001202435.1, NM_001165963.3); short protein forms R28C.
Identifiers: ClinVar variation 206802 (VCV000206802.20), dbSNP rs754032480, ClinGen allele CA317371.

ClinVar aggregate classification (germline): Conflicting classifications of pathogenicity. Review status: criteria provided, conflicting classifications (1 of 4 stars). 7 submissions from 7 submitters: Likely pathogenic (1); Uncertain significance (5). 1 of the submissions does not count toward it. Last evaluated 2026-02-01.

Conditions:
SCN1A-related disorder. Also called: SCN1A-related disorders; SCN1A-related conditions; SCN1A-related condition.
Generalized epilepsy with febrile seizures plus, type 2 (GEFSP2). Also called: GEFS+, TYPE 2. Identifiers: Orphanet 36387, MedGen C1858673, MONDO:0011461, OMIM 604403.
Severe myoclonic epilepsy in infancy (DRVT). Also called: Epileptic encephalopathy, early infantile, 6 (Dravet syndrome); DEVELOPMENTAL AND EPILEPTIC ENCEPHALOPATHY 6A; Severe Myoclonic Epilepsy in Infancy (SMEI); SEVERE MYOCLONIC EPILEPSY OF INFANCY; Dravet syndrome. Identifiers: Orphanet 33069, MedGen C0751122, MONDO:0100135, OMIM 607208.
Developmental and epileptic encephalopathy 6B. Also called: Developmental and epileptic encephalopathy 6B, non-Dravet. Identifiers: MedGen C5543353, MONDO:0030268, OMIM 619317.
Migraine, familial hemiplegic, 3. Identifiers: Orphanet 569, MedGen C1864987, MONDO:0012320, OMIM 609634.
Developmental and epileptic encephalopathy. Identifiers: MedGen C5779964, MONDO:0100620.

Allele frequency attached by ClinVar (database versions not stated): gnomAD 0.00001; TOPMed 0.00001; ExAC 0.00003; gnomAD exomes 0.00003 and 0.00004.
gnomAD v4.1: 45 of 1,613,964 alleles (0.0028%); highest among the groups gnomAD compares: East Asian, 0.0067%; no homozygotes.

Submissions (7):

CeGaT Center for Human Genetics Tuebingen
Classification: Uncertain significance. Last evaluated: 2026-02-01. Review status: criteria provided, single submitter. Criteria: CeGaT Center For Human Genetics Tuebingen Variant Classification Criteria Version 2. Collection method: clinical testing. Allele origin: germline. Affected: yes. Observed: 1 variant allele.
Comment: SCN1A: PS4:Moderate, PP2, BP5

Labcorp Genetics (formerly Invitae), Labcorp
Classification: Likely pathogenic for Early-infantile DEE. Last evaluated: 2024-09-19. Review status: criteria provided, single submitter. Criteria: Invitae Variant Classification Sherloc (09022015). Collection method: clinical testing. Allele origin: germline.
Comment: This sequence change replaces arginine, which is basic and polar, with cysteine, which is neutral and slightly polar, at codon 28 of the SCN1A protein (p.Arg28Cys). This variant is present in population databases (rs754032480, gnomAD 0.01%). This missense change has been observed in individuals with clinical features of autosomal dominant SCN1A-related conditions (PMID: 18804930, 30619928; internal data). ClinVar contains an entry for this variant (Variation ID: 206802). Invitae Evidence Modeling of protein sequence and biophysical properties (such as structural, functional, and spatial information, amino acid conservation, physicochemical variation, residue mobility, and thermodynamic stability) indicates that this missense variant is expected to disrupt SCN1A protein function with a positive predictive value of 95%. In summary, the currently available evidence indicates that the variant is pathogenic, but additional data are needed to prove that conclusively. Therefore, this variant has been classified as Likely Pathogenic.

Blueprint Genetics
Classification: Uncertain significance. Last evaluated: 2023-10-18. Review status: criteria provided, single submitter. Criteria: ACMG Guidelines, 2015. Collection method: clinical testing. Allele origin: germline.

GeneDx
Classification: Uncertain significance. Last evaluated: 2023-05-31. Review status: criteria provided, single submitter. Criteria: GeneDx Variant Classification Process June 2021. Collection method: clinical testing. Allele origin: germline. Affected: yes.
Comment: Reported in two siblings with febrile seizures; however, the variant was inherited from an unaffected parent and was not identified in siblings with epilepsy (Lal et al. 2016); Identified in several additional individuals with febrile seizures or epilepsy at GeneDx and in the published literatures (Lossin et al., 2009; Kong et al., 2019); Missense variants in this gene are often considered pathogenic (HGMD); In silico analysis supports that this missense variant has a deleterious effect on protein structure/function; This substitution is predicted to be within the N-terminal cytoplasmic domain; This variant is associated with the following publications: (PMID: 18804930, 34426522, 26990884, 30619928)

Fulgent Genetics
Classification: Uncertain significance for Generalized epilepsy with febrile seizures plus, type 2; Severe myoclonic epilepsy in infancy; Migraine, familial hemiplegic, 3; Developmental and epileptic encephalopathy 6B. Last evaluated: 2022-02-25. Review status: criteria provided, single submitter. Criteria: ACMG Guidelines, 2015. Collection method: clinical testing. Allele origin: unknown.

Molecular Genetics, Royal Melbourne Hospital
Classification: Uncertain significance for Generalized epilepsy with febrile seizures plus, type 2. Last evaluated: 2021-10-04. Review status: criteria provided, single submitter. Criteria: ACMG Guidelines, 2015. Collection method: clinical testing. Allele origin: germline.
Comment: This sequence change is predicted to replace arginine with cysteine at codon 28 of the SCN1A protein (p.(Arg28Cys)). The arginine residue is highly conserved, although cysteine is present in at least one lower vertebrate (100 vertebrates, UCSC). It is not located in an annotated functional domain. There is a large physicochemical difference between arginine and cysteine. The variant is present in a large population cohort at a frequency of 0.004% (10/282,736 alleles, 0 homozygotes in gnomAD v2.1). The variant has been identified in at least three individuals with epilepsy, and did not segregate with epilepsy in affected members of a single family (PMID: 18804930, 26990884, 30619928). Multiple lines of computational evidence predict a deleterious effect for the missense substitution (5/6 algorithms). Based on the classification scheme RMH ACMG Guidelines v1.2.1, this variant is classified as a VARIANT OF UNCERTAIN SIGNIFICANCE. Following criteria are met: PP3, BS4.

PreventionGenetics, part of Exact Sciences
Classification: Uncertain significance for SCN1A-related condition. Last evaluated: 2024-08-23. Review status: no assertion criteria provided. Collection method: clinical testing. Allele origin: germline. Not counted in ClinVar's aggregate classification.
Comment: The SCN1A c.82C>T variant is predicted to result in the amino acid substitution p.Arg28Cys. This variant has been reported in individuals with generalized epilepsy with febrile seizures plus (GEFS+) (Lossin et al. 2009. PubMed ID: 18804930; Kong et al. 2018. PubMed ID: 30619928). However, in one study, this variant did not segregate with disease in both affected and unaffected family members, and the authors asserted that it is likely benign (Lal et al. 2016. PubMed ID: 26990884). This variant is reported in 0.010% of alleles in individuals of East Asian descent in gnomAD and has conflicting interpretations in ClinVar regarding its pathogenicity, ranging from likely pathogenic to uncertain significance. At this time, the clinical significance of this variant is uncertain due to the absence of conclusive functional and genetic evidence.

Literature cited by the submitters: PubMed 18804930 (cited by Labcorp Genetics (formerly Invitae), Labcorp and Molecular Genetics, Royal Melbourne Hospital); PubMed 30619928 (cited by Labcorp Genetics (formerly Invitae), Labcorp and Molecular Genetics, Royal Melbourne Hospital); PubMed 26990884 (cited by Molecular Genetics, Royal Melbourne Hospital).